The following is an entry in ClinVar:

ClinVar aggregate classification (germline): Uncertain significance (1 of 4 stars; one submission).

Submission:

Labcorp Genetics (formerly Invitae), Labcorp
Classification: Uncertain significance. Last evaluated: 2022-05-25. Review status: criteria provided, single submitter. Criteria: Invitae Variant Classification Sherloc (09022015). Collection method: clinical testing. Allele origin: germline.
Comment: In summary, the available evidence is currently insufficient to determine the role of this variant in disease. Therefore, it has been classified as a Variant of Uncertain Significance. Experimental studies and prediction algorithms are not available or were not evaluated, and the functional significance of this variant is currently unknown. This missense change has been observed in individual(s) with clinical features of KMT2B-related conditions (Invitae). Information on the frequency of this variant in the gnomAD database is not available, as this variant may be reported differently in the database. This sequence change replaces serine, which is neutral and polar, with cysteine, which is neutral and slightly polar, at codon 2419 of the KMT2B protein (p.Ser2419Cys).

NM_014727.3(KMT2B):c.7254_7255delinsAT (p.Ser2419Cys)

Gene: KMT2B (lysine methyltransferase 2B; plus strand). Cytogenetic location: 19q13.12.
Variant type: Indel.
Coding change: c.7254_7255delinsAT on transcript NM_014727.3 (MANE Select); coding-DNA positions 7254 to 7255, CA replaced by AT.
Protein change: p.Ser2419Cys; replaces serine 2419 with cysteine.
Molecular consequence: missense variant.
Genome position (GRCh38, 1-based): chr19:35,736,784-35,736,785, CA replaced by AT. VCF-style: chr19-35736784-CA-AT. GRCh37 (hg19) VCF-style: chr19-36227685-CA-AT.
Other names: short protein forms S2419C.
Identifiers: ClinVar variation 2125965 (VCV002125965.4), dbSNP rs2513365043, ClinGen allele CA2580096854.